The following is an entry in ClinVar:

NM_000516.7(GNAS):c.324C>T (p.Ala108=)

Gene: GNAS (GNAS complex locus; plus strand). Cytogenetic location: 20q13.32.
Variant type: single nucleotide variant.
Coding change: c.324C>T on transcript NM_000516.7 (MANE Select); coding-DNA position 324, C replaced by T.
Protein change: p.Ala108=; no amino-acid change (alanine 108 retained).
Molecular consequence: synonymous variant. On other transcripts: 3 prime UTR variant (2).
Genome position (GRCh38, 1-based): chr20:58,903,683, C>T. VCF-style: chr20-58903683-C-T. GRCh37 (hg19) VCF-style: chr20-57478738-C-T.
Other names: c.327C>T, p.Ala109= (NM_001077488.5); c.279C>T, p.Ala93= (NM_001077489.4); c.*185C>T (NM_001077490.3); c.147C>T, p.Ala49= (NM_001309840.2, NM_001309861.2); c.228C>T, p.Ala76= (NM_001410912.1); c.2208C>T, p.Ala736= (NM_001410913.1); c.*230C>T (NM_016592.5); c.2253C>T, p.Ala751= (NM_080425.4); and 2 more.
Identifiers: ClinVar variation 2188075 (VCV002188075.7), dbSNP rs559448095, ClinGen allele CA9927063.
Genomic context (GRCh38, chr20:58,903,683, plus strand): 5'-CCCTCCCAGCCAGTGCTGTTCCCTGACCGCTTTGCTAAATCATTTTCAGACCATTGTGGC[C>T]GCCATGAGCAACCTGGTGCCCCCCGTGGAGCTGGCCAACCCCGAGAACCAGTTCAGAGTG-3'
Protein context (NP_000507.1, residues 98-118): NLKEAIETIV[Ala108=]AMSNLVPPVE

ClinVar aggregate classification (germline): Benign/Likely benign. Review status: criteria provided, multiple submitters, no conflicts (2 of 4 stars). 3 submissions from 3 submitters: Benign (1); Likely benign (1). 1 of the submissions does not count toward it. Last evaluated 2025-03-10.

Conditions:
GNAS-related disorder. Identifiers: MedGen CN380105.

Allele frequency attached by ClinVar (database versions not stated): TOPMed 0.00010; 1000 Genomes Project 30x 0.00016; 1000 Genomes Project 0.00020.
gnomAD v4.1: 78 of 1,614,078 alleles (0.0048%); highest among the groups gnomAD compares: East Asian, 0.12%; no homozygotes.

Submissions (3):

Labcorp Genetics (formerly Invitae), Labcorp
Classification: Benign. Last evaluated: 2025-03-10. Review status: criteria provided, single submitter. Criteria: Invitae Variant Classification Sherloc (09022015). Collection method: clinical testing. Allele origin: germline.

Blueprint Genetics
Classification: Likely benign. Last evaluated: 2024-09-09. Review status: criteria provided, single submitter. Criteria: ACMG Guidelines, 2015. Collection method: clinical testing. Allele origin: germline.

PreventionGenetics, part of Exact Sciences
Classification: Likely benign for GNAS-related condition. Last evaluated: 2023-09-21. Review status: no assertion criteria provided. Collection method: clinical testing. Allele origin: germline. Not counted in ClinVar's aggregate classification.
Comment: This variant is classified as likely benign based on ACMG/AMP sequence variant interpretation guidelines (Richards et al. 2015 PMID: 25741868, with internal and published modifications).